The following is an entry in ClinVar:

ClinVar aggregate classification (germline): Benign/Likely benign. Review status: criteria provided, multiple submitters, no conflicts (2 of 4 stars). 2 submissions from 2 submitters: Benign (1); Likely benign (1). Last evaluated 2025-12-14.

Conditions:
Hereditary leiomyomatosis and renal cell cancer. Also called: MULTIPLE CUTANEOUS AND UTERINE LEIOMYOMATA 1, WITH OR WITHOUT RENAL CELL CARCINOMA; LEIOMYOMA, MULTIPLE CUTANEOUS; Reed syndrome; Multiple cutaneous and uterine leiomyomatosis; Cutaneous leiomyomata with uterine leiomyomata; Leiomyoma, hereditary multiple, of skin. Identifiers: Orphanet 523, MedGen C1708350, MONDO:0007888, OMIM 150800, HP:0007437. Disease mechanism: loss of function.

Allele frequency attached by ClinVar (database versions not stated): gnomAD exomes below 0.00001 and 0.00001; gnomAD 0.00001.
gnomAD v4.1: 3 of 1,610,898 alleles (0.00019%); highest among the groups gnomAD compares: East Asian, 0.0067%; no homozygotes.

Submissions (2):

Labcorp Genetics (formerly Invitae), Labcorp
Classification: Likely benign. Last evaluated: 2025-12-14. Review status: criteria provided, single submitter. Criteria: Invitae Variant Classification Sherloc (09022015). Collection method: clinical testing. Allele origin: germline.

Myriad Genetics, Inc.
Classification: Benign for Hereditary leiomyomatosis and renal cell cancer. Last evaluated: 2024-09-11. Review status: criteria provided, single submitter. Criteria: Myriad Autosomal Dominant, Autosomal Recessive and X-Linked Classification Criteria (2023). Collection method: clinical testing. Allele origin: unknown.
Comment: This variant is considered benign. This variant is intronic and is not expected to impact mRNA splicing. This variant has been observed at a population frequency that is significantly greater than expected given the associated disease prevalence and penetrance.

NM_000143.4(FH):c.556-12A>C

Gene: FH (fumarate hydratase; minus strand). Cytogenetic location: 1q43.
Variant type: single nucleotide variant.
Coding change: c.556-12A>C on transcript NM_000143.4 (MANE Select); 12 bases into the intron before coding-DNA position 556, A replaced by C.
Molecular consequence: intron variant.
Genome position (GRCh38, 1-based): chr1:241,508,797, T>G on the plus strand (A>C on the coding strand, the complement: FH is on the minus strand). VCF-style: chr1-241508797-T-G. GRCh37 (hg19) VCF-style: chr1-241672097-T-G.
Identifiers: ClinVar variation 1591135 (VCV001591135.9), dbSNP rs1282569432, ClinGen allele CA530379057.